The following is an entry in ClinVar:

ClinVar aggregate classification (germline): Uncertain significance (1 of 4 stars; one submission).

Allele frequency attached by ClinVar (database versions not stated): gnomAD 0.00001.
gnomAD v4.1: 3 of 1,613,290 alleles (0.00019%); highest among the groups gnomAD compares: Non-Finnish European, 0.00025%; no homozygotes.

Submission:

Labcorp Genetics (formerly Invitae), Labcorp
Classification: Uncertain significance. Last evaluated: 2025-04-14. Review status: criteria provided, single submitter. Criteria: Invitae Variant Classification Sherloc (09022015). Collection method: clinical testing. Allele origin: germline.
Comment: This sequence change affects codon 56 of the TELO2 mRNA. It is a 'silent' change, meaning that it does not change the encoded amino acid sequence of the TELO2 protein. This variant is present in population databases (no rsID available, gnomAD 0.007%). This variant has not been reported in the literature in individuals affected with TELO2-related conditions. ClinVar contains an entry for this variant (Variation ID: 2878034). Algorithms developed to predict the effect of sequence changes on RNA splicing suggest that this variant may create or strengthen a splice site. In summary, the available evidence is currently insufficient to determine the role of this variant in disease. Therefore, it has been classified as a Variant of Uncertain Significance.

NM_016111.4(TELO2):c.168G>A (p.Ser56=)

Gene: TELO2 (telomere maintenance 2; plus strand). Cytogenetic location: 16p13.3.
Variant type: single nucleotide variant.
Coding change: c.168G>A on transcript NM_016111.4 (MANE Select); coding-DNA position 168, G replaced by A.
Protein change: p.Ser56=; no amino-acid change (serine 56 retained).
Molecular consequence: synonymous variant.
Genome position (GRCh38, 1-based): chr16:1,494,449, G>A. VCF-style: chr16-1494449-G-A. GRCh37 (hg19) VCF-style: chr16-1544450-G-A.
Other names: c.168G>A, p.Ser56= (NM_001351846.2).
Identifiers: ClinVar variation 2878034 (VCV002878034.3), dbSNP rs1188944468, ClinGen allele CA493030361.
Genomic context (GRCh38, chr16:1,494,449, plus strand): 5'-GCGGTATCTCGGTGAGATGGAGCCTCCAGCGCTCCCGAGGGAGAAGGAGGAGTTTGCCTC[G>A]GCCCACTTCTCGCCTGTCCTCAGATGTCTTGCCAGCAGGCTGAGCCCAGCCTGGCTGGAG-3'
Protein context (NP_057195.2, residues 46-66): ALPREKEEFA[Ser56=]AHFSPVLRCL